The following is an entry in ClinVar:

ClinVar aggregate classification (germline): Likely pathogenic (1 of 4 stars; one submission).

Submission:

Labcorp Genetics (formerly Invitae), Labcorp
Classification: Likely pathogenic. Last evaluated: 2022-03-23. Review status: criteria provided, single submitter. Criteria: Invitae Variant Classification Sherloc (09022015). Collection method: clinical testing. Allele origin: germline.
Comment: This missense change has been observed in individual(s) with Stargardt disease (Invitae). This variant is not present in population databases (gnomAD no frequency). This sequence change replaces proline, which is neutral and non-polar, with threonine, which is neutral and polar, at codon 775 of the ABCA4 protein (p.Pro775Thr). Advanced modeling of protein sequence and biophysical properties (such as structural, functional, and spatial information, amino acid conservation, physicochemical variation, residue mobility, and thermodynamic stability) performed at Invitae indicates that this missense variant is expected to disrupt ABCA4 protein function. In summary, the currently available evidence indicates that the variant is pathogenic, but additional data are needed to prove that conclusively. Therefore, this variant has been classified as Likely Pathogenic.

NM_000350.3(ABCA4):c.2323C>A (p.Pro775Thr)

Gene: ABCA4 (ATP binding cassette subfamily A member 4; minus strand). Cytogenetic location: 1p22.1.
Variant type: single nucleotide variant.
Coding change: c.2323C>A on transcript NM_000350.3 (MANE Select); coding-DNA position 2323, C replaced by A.
Protein change: p.Pro775Thr; replaces proline 775 with threonine.
Molecular consequence: missense variant.
Genome position (GRCh38, 1-based): chr1:94,056,660, G>T on the plus strand (C>A on the coding strand, the complement: ABCA4 is on the minus strand). VCF-style: chr1-94056660-G-T. GRCh37 (hg19) VCF-style: chr1-94522216-G-T.
Other names: short protein forms P775T.
Identifiers: ClinVar variation 1951379 (VCV001951379.5), dbSNP rs2523821851, ClinGen allele CA341277776.